The following is an entry in ClinVar:

ClinVar aggregate classification (germline): Pathogenic. Review status: criteria provided, multiple submitters, no conflicts (2 of 4 stars). 5 submissions from 5 submitters: Pathogenic (3). 2 of the submissions do not count toward it. Last evaluated 2024-12-13.

Conditions:
Isolated methylmalonic aciduria cblD type. Also called: METHYLMALONIC ACIDURIA, cblD TYPE, VARIANT 2; METHYLMALONIC ACIDURIA, cblD TYPE. Identifiers: MedGen CN378546, MONDO:0700298, OMIM 620953.
MMADHC-related disorders.
Methylmalonic aciduria and homocystinuria type cblD (MAHCD). Also called: Methylmalonic aciduria with homocystinuria cblD type; METHYLMALONIC ACIDEMIA, cblH TYPE. Identifiers: Orphanet 622, Orphanet 79283, MedGen C1848552, MONDO:0010185, OMIM 277410.

Submissions (5):

Natera, Inc.
Classification: Pathogenic for Methylmalonic aciduria with homocystinuria cblD type. Last evaluated: 2024-12-13. Review status: criteria provided, single submitter. Criteria: Natera Variant Classification Schema (03/2026). Collection method: clinical testing. Allele origin: germline.
Comment: The c.57_64delCTCTTTAG variant in MMADHC is a frameshift variant predicted to shift the reading frame and introduce a stop codon. This variant is expected to result in nonsense mediated decay, truncation, or a dysfunctional protein product. This variant is rare in the general population with a frequency below the threshold expected for the associated phenotype(s). This variant has been observed in one or more individuals affected with the associated recessive disease, as either homozygous or compound heterozygous with a second variant (PMID: 30041674). Given the available evidence, this variant is classified as Pathogenic.

Blueprint Genetics
Classification: Pathogenic for MMADHC-related disorders. Last evaluated: 2024-11-20. Review status: criteria provided, single submitter. Criteria: ACMG Guidelines, 2015. Collection method: clinical testing. Allele origin: germline. Affected: yes. Observed: 1 variant allele.

Baylor Genetics
Classification: Pathogenic for Methylmalonic aciduria and homocystinuria type cblD. Last evaluated: 2023-08-01. Review status: criteria provided, single submitter. Criteria: ACMG Guidelines, 2015. Collection method: clinical testing. Allele origin: unknown.

OMIM
Classification: Pathogenic for METHYLMALONIC ACIDURIA, cblD TYPE. Last evaluated: 2008-04-03. Review status: no assertion criteria provided. Collection method: literature only. Allele origin: germline. Not counted in ClinVar's aggregate classification.

GeneReviews
No classification provided. Condition: Methylmalonic aciduria and homocystinuria type cblD. Review status: no classification provided. Collection method: literature only. Allele origin: germline. Affected: yes. Not counted in ClinVar's aggregate classification.

Literature cited by the submitters: PubMed 30041674 (cited by Natera, Inc.); PubMed 15292234 (cited by OMIM); PubMed 18385497 (cited by OMIM); NCBI Bookshelf NBK1231 (cited by GeneReviews).

NM_015702.3(MMADHC):c.57_64del (p.Cys19_Ser20insTer)

Gene: MMADHC (metabolism of cobalamin associated D; minus strand). Cytogenetic location: 2q23.2.
Variant type: Deletion.
Coding change: c.57_64del on transcript NM_015702.3 (MANE Select); coding-DNA positions 57 to 64, 8 bases deleted (CTCTTTAG; older notation c.57_64delCTCTTTAG).
Protein change: p.Cys19_Ser20insTer.
Molecular consequence: frameshift variant.
Genome position (GRCh38, 1-based): chr2:149,582,217-149,582,224, CTAAAGAG deleted on the plus strand (CTCTTTAG on the coding strand, the reverse complement: MMADHC is on the minus strand); deleting any 8 consecutive bases within chr2:149,582,217-149,582,225 gives the same sequence; the c. name uses the placement nearest the transcript's 3' end. VCF-style (leftmost placement, unchanged base first): chr2-149582216-ACTAAAGAG-A. GRCh37 (hg19) VCF-style: chr2-150438730-ACTAAAGAG-A.
Other names: Cys19fsTer20.
Identifiers: ClinVar variation 764 (VCV000000764.6), dbSNP rs397509361, ClinGen allele CA249854.